The following is an entry in ClinVar:

NM_003242.6(TGFBR2):c.1379G>C (p.Arg460Pro)

Gene: TGFBR2 (transforming growth factor beta receptor 2; plus strand). Cytogenetic location: 3p24.1.
Variant type: single nucleotide variant.
Coding change: c.1379G>C on transcript NM_003242.6 (MANE Select); coding-DNA position 1379, G replaced by C.
Protein change: p.Arg460Pro; replaces arginine 460 with proline.
Molecular consequence: missense variant.
Genome position (GRCh38, 1-based): chr3:30,674,229, G>C. VCF-style: chr3-30674229-G-C. GRCh37 (hg19) VCF-style: chr3-30715721-G-C.
Other names: c.1379G>C (NM_003242.5); c.1454G>C, p.Arg485Pro (NM_001024847.3); c.1562G>C, p.Arg521Pro (NM_001407126.1); c.1019G>C, p.Arg340Pro (NM_001407138.1); c.1487G>C, p.Arg496Pro (NM_001407127.1); c.1406G>C, p.Arg469Pro (NM_001407128.1); c.1382G>C, p.Arg461Pro (NM_001407129.1); c.1379G>C, p.Arg460Pro (NM_001407130.1); and 2 more; short protein forms R460P, R485P, R365P, R469P, R425P, R496P, R340P, R521P.
Identifiers: ClinVar variation 1332771 (VCV001332771.4), dbSNP rs104893816, ClinGen allele CA351809139.

ClinVar aggregate classification (germline): Pathogenic/Likely pathogenic. Review status: criteria provided, multiple submitters, no conflicts (2 of 4 stars). 2 submissions from 2 submitters: Pathogenic (1); Likely pathogenic (1). Last evaluated 2023-04-06.

Conditions:
Loeys-Dietz syndrome 2 (LDS2). Also called: Marfan Syndrome type 2; Marfan like connective tissue disorder; MFS 2; AORTIC ANEURYSM, FAMILIAL THORACIC 3; MARFAN SYNDROME, TYPE II; TGFBR2-Related Loeys-Dietz Syndrome. Identifiers: Orphanet 284973, Orphanet 558, MedGen C2674574, MONDO:0012427, OMIM 610168.

Submissions (2):

GeneDx
Classification: Pathogenic. Last evaluated: 2023-04-06. Review status: criteria provided, single submitter. Criteria: GeneDx Variant Classification Process June 2021. Collection method: clinical testing. Allele origin: germline. Affected: yes.
Comment: Not observed at significant frequency in large population cohorts (gnomAD); In silico analysis supports that this missense variant has a deleterious effect on protein structure/function; This variant is associated with the following publications: (PMID: 33436942, 23884466, 16027248, 16885183)

Kasturba Medical College, Manipal, Kasturba Medical College, Manipal, Manipal Academy of Higher Education, Manipal, India
Classification: Likely pathogenic for Loeys-Dietz syndrome 2. Review status: criteria provided, single submitter. Criteria: ACMG Guidelines, 2015. Collection method: research. Allele origin: de novo. Inheritance: Autosomal dominant inheritance. Affected: yes.